The following is an entry in ClinVar:

NM_006019.4(TCIRG1):c.734dup (p.Phe246fs)

Gene: TCIRG1 (T cell immune regulator 1, ATPase H+ transporting V0 subunit a3; plus strand). Cytogenetic location: 11q13.2.
Variant type: Duplication.
Coding change: c.734dup on transcript NM_006019.4 (MANE Select); coding-DNA position 734, one base duplicated (C; older notation c.734dupC).
Protein change: p.Phe246fs; shifts the reading frame from phenylalanine 246.
Molecular consequence: frameshift variant. On other transcripts: 5 prime UTR variant (1), intron variant (1).
Genome position (GRCh38, 1-based): chr11:68,043,834, C duplicated; the last of 3 consecutive C bases (chr11:68,043,832-68,043,834); duplicating any one gives the same sequence. VCF-style (leftmost placement, unchanged base first): chr11-68043831-T-TC. GRCh37 (hg19) VCF-style: chr11-67811298-T-TC.
Other names: c.-161dup (NM_001351059.2); c.734dup, p.Phe246fs (NM_001440552.1, NM_001440553.1, NM_001440554.1 and 4 more transcripts); c.692dup, p.Phe232fs (NM_001440555.1, NM_001440556.1, NM_001440563.1); c.521dup, p.Phe175fs (NM_001440561.1, NM_001440562.1, NM_001440566.1 and 1 more transcripts); c.479dup, p.Phe161fs (NM_001440564.1, NM_001440568.1); c.434dup, p.Phe146fs (NM_001440565.1); c.86dup, p.Phe30fs (NM_006053.4); c.503+803dup (NM_001440569.1); short protein forms F146fs, F161fs, F175fs, F232fs, F246fs, F30fs.
Identifiers: ClinVar variation 5012286 (VCV005012286.1).

ClinVar aggregate classification (germline): Pathogenic (1 of 4 stars; one submission).

Conditions:
Autosomal recessive osteopetrosis 1. Also called: ALBERS-SCHONBERG DISEASE, AUTOSOMAL RECESSIVE; TCIRG1-Related Autosomal Recessive Osteopetrosis; TCIRG1-Related Osteopetrosis. Identifiers: Orphanet 667, MedGen C1850127, MONDO:0009815, OMIM 259700.

Submission:

Myriad Genetics, Inc.
Classification: Pathogenic for Autosomal recessive osteopetrosis 1. Last evaluated: 2023-09-27. Review status: criteria provided, single submitter. Criteria: Myriad Autosomal Dominant, Autosomal Recessive and X-Linked Classification Criteria (2023). Collection method: clinical testing. Allele origin: unknown.
Comment: NM_006019.3(TCIRG1):c.734dupC(F246Vfs*244) is expected to be pathogenic in the context of autosomal recessive osteopetrosis type 1. This variant is predicted to lead to an abnormal or absent protein product due to the creation of a premature termination codon in TCIRG1, a gene where loss-of-function variants are known to be pathogenic. Please note: this variant was assessed in the context of healthy population screening.